The following is an entry in ClinVar:

NM_002900.3(RBP3):c.1603C>G (p.Arg535Gly)

Gene: RBP3 (retinol binding protein 3; plus strand). Cytogenetic location: 10q11.22.
Variant type: single nucleotide variant.
Coding change: c.1603C>G on transcript NM_002900.3 (MANE Select); coding-DNA position 1603, C replaced by G.
Protein change: p.Arg535Gly; replaces arginine 535 with glycine.
Molecular consequence: missense variant.
Genome position (GRCh38, 1-based): chr10:47,350,087, C>G. VCF-style: chr10-47350087-C-G. GRCh37 (hg19) VCF-style: chr10-48389275-G-C.
Other names: short protein forms R535G.
Identifiers: ClinVar variation 2083263 (VCV002083263.4), dbSNP rs143632019, ClinGen allele CA5487485.
Genomic context (GRCh38, chr10:47,350,087, plus strand): 5'-AACATCACGCAGGAGCACTTCAGCCACATGGAGCTCCCGGGCCCACGCTACAGCACCCAA[C>G]GTGGGGTGTATCTGCTCACCAGCCACCGCACCGCCACGGCCGCGGAGGAGTTCGCCTTCC-3'
Protein context (NP_002891.1, residues 525-545): ELPGPRYSTQ[Arg535Gly]GVYLLTSHRT

ClinVar aggregate classification (germline): Uncertain significance (1 of 4 stars; one submission).

gnomAD v4.1: 4 of 1,613,050 alleles (0.00025%); highest among the groups gnomAD compares: Admixed American, 0.0033%; no homozygotes.

Submission:

Labcorp Genetics (formerly Invitae), Labcorp
Classification: Uncertain significance. Last evaluated: 2022-02-20. Review status: criteria provided, single submitter. Criteria: Invitae Variant Classification Sherloc (09022015). Collection method: clinical testing. Allele origin: germline.
Comment: In summary, the available evidence is currently insufficient to determine the role of this variant in disease. Therefore, it has been classified as a Variant of Uncertain Significance. Algorithms developed to predict the effect of missense changes on protein structure and function are either unavailable or do not agree on the potential impact of this missense change (SIFT: "Deleterious"; PolyPhen-2: "Possibly Damaging"; Align-GVGD: "Class C0"). This variant has not been reported in the literature in individuals affected with RBP3-related conditions. This variant is present in population databases (rs143632019, gnomAD 0.003%). This sequence change replaces arginine, which is basic and polar, with glycine, which is neutral and non-polar, at codon 535 of the RBP3 protein (p.Arg535Gly).